The following is an entry in ClinVar:

NM_000384.3(APOB):c.7600C>T (p.Arg2534Ter)

Gene: APOB (apolipoprotein B; minus strand). Cytogenetic location: 2p24.1.
Variant type: single nucleotide variant.
Coding change: c.7600C>T on transcript NM_000384.3 (MANE Select); coding-DNA position 7600, C replaced by T.
Protein change: p.Arg2534Ter; replaces arginine 2534 with a stop codon.
Molecular consequence: nonsense.
Genome position (GRCh38, 1-based): chr2:21,009,268, G>A on the plus strand (C>T on the coding strand, the complement: APOB is on the minus strand). VCF-style: chr2-21009268-G-A. GRCh37 (hg19) VCF-style: chr2-21232140-G-A.
Other names: short protein forms R2534*.
Identifiers: ClinVar variation 895430 (VCV000895430.10), dbSNP rs145143533, ClinGen allele CA064573.

ClinVar aggregate classification (germline): Pathogenic. Review status: criteria provided, multiple submitters, no conflicts (2 of 4 stars). 6 submissions from 6 submitters: Pathogenic (6). Last evaluated 2026-02-17.

Conditions:
Inborn errors of metabolism. Also called: Inborn error of metabolism. Identifiers: Orphanet 68367, MedGen C0025521, MONDO:0019052.
Hypobetalipoproteinemia. Identifiers: Orphanet 31154, MedGen C0020597, MONDO:0017774.
Hypercholesterolemia, autosomal dominant, type B (FHCL2). Also called: APOLIPOPROTEIN B-100, FAMILIAL DEFECTIVE; APOLIPOPROTEIN B-100, FAMILIAL LIGAND-DEFECTIVE; Familial Hypercholesterolemia Type B; Hyperlipoproteinemia Type IIb; Familial hypercholesterolemia 2; HYPERCHOLESTEROLEMIA, FAMILIAL, DUE TO LIGAND-DEFECTIVE APOLIPOPROTEIN B. Identifiers: MedGen C1704417, MONDO:0007751, OMIM 144010.
Familial hypobetalipoproteinemia 1. Also called: APOB-Related Familial Hypobetalipoproteinemia; Hypobetalipoproteinemia, normotriglyceridemic; Acanthocytosis with hypobetalipoproteinemia. Identifiers: MedGen C4551990, MONDO:0014252, OMIM 615558.

Allele frequency attached by ClinVar (database versions not stated): ESP Exome Variant Server 0.00008; TOPMed below 0.00001; ExAC 0.00001; gnomAD exomes 0.00001.
gnomAD v4.1: 9 of 1,614,044 alleles (0.00056%); highest among the groups gnomAD compares: Non-Finnish European, 0.00076%; no homozygotes.

Submissions (6):

North West Genomic Laboratory Hub, Manchester University NHS Foundation Trust
Classification: Pathogenic for Inborn error of metabolism. Last evaluated: 2026-02-17. Review status: criteria provided, single submitter. Criteria: ACGS Best Practice Guidelines for Variant Classification in Rare Disease 2024. Collection method: clinical testing. Allele origin: germline. Affected: yes.
Comment: PP1_Str PVS1_VStr PS4_Mod

Labcorp Genetics (formerly Invitae), Labcorp
Classification: Pathogenic for Familial hypobetalipoproteinemia 1; Hypercholesterolemia, autosomal dominant, type B. Last evaluated: 2026-01-31. Review status: criteria provided, single submitter. Criteria: Invitae Variant Classification Sherloc (09022015). Collection method: clinical testing. Allele origin: germline.
Comment: This sequence change creates a premature translational stop signal (p.Arg2534*) in the APOB gene. It is expected to result in an absent or disrupted protein product. Loss-of-function variants in APOB are known to be pathogenic (PMID: 20032471). This variant is present in population databases (rs145143533, gnomAD 0.0009%). This premature translational stop signal has been observed in individual(s) with hypobetalipoproteinaemia (PMID: 15805152). ClinVar contains an entry for this variant (Variation ID: 895430). For these reasons, this variant has been classified as Pathogenic.

Illumina Laboratory Services, Illumina
Classification: Pathogenic for Hypobetalipoproteinemia. Last evaluated: 2025-02-13. Review status: criteria provided, single submitter. Criteria: ICSLVariantClassificationCriteria RUGD 01 April 2020. Collection method: clinical testing. Allele origin: unknown.

GeneDx
Classification: Pathogenic. Last evaluated: 2022-09-23. Review status: criteria provided, single submitter. Criteria: GeneDx Variant Classification Process June 2021. Collection method: clinical testing. Allele origin: germline. Affected: yes.
Comment: Reported in association with hypobetalipoproteinaemia in the published literature (Fouchier et al., 2005; Blanco-Vaca et al., 2019); Nonsense variant predicted to result in protein truncation or nonsense mediated decay in a gene for which loss-of-function is a known mechanism of disease; Not observed at significant frequency in large population cohorts (gnomAD); Also known as p.R2507X; This variant is associated with the following publications: (PMID: 33111339, 30782561, 15805152)

Laboratory for Molecular Medicine, Mass General Brigham Personalized Medicine
Classification: Pathogenic for Hypobetalipoproteinemia. Last evaluated: 2021-10-27. Review status: criteria provided, single submitter. Criteria: ACMG Guidelines, 2015. Collection method: clinical testing. Allele origin: germline. Inheritance: Autosomal recessive inheritance.
Comment: The p.Arg2534X variant in APOB has been reported in the homozygous state in at least two individuals with hypobetalipoproteinemia and segregated with disease in one affected sibling (Fouchier 2005, PMID:15805152, Blanco-Vaca 2019 PMID:30782561, Marmontel 2020 PMID:33111339). It has also been identified in 0.002% (2/113492) of European chromosomes by gnomAD. This nonsense variant leads to a premature termination codon at position 2534, which is predicted to lead to a truncated or absent protein. Loss of function of the APOB gene is an established disease mechanism in autosomal recessive hypobetalipoproteinemia. In summary, this variant meets criteria to be classified as pathogenic for autosomal recessive hypobetalipoproteinemia. ACMG/AMP Criteria applied: PVS1, PM2_supporting, PM3_supporting, PP1.

Clinical Genetics Service, Universitary Hospital 12 de Octubre
Classification: Pathogenic for Hypercholesterolemia, autosomal dominant, type B. Review status: criteria provided, single submitter. Criteria: ACMG Guidelines, 2015. Collection method: clinical testing. Allele origin: germline. Affected: yes.

Literature cited by the submitters: PubMed 20032471 (cited by Labcorp Genetics (formerly Invitae), Labcorp); PubMed 15805152 (cited by Labcorp Genetics (formerly Invitae), Labcorp and Laboratory for Molecular Medicine, Mass General Brigham Personalized Medicine); PubMed 33111339 (cited by Laboratory for Molecular Medicine, Mass General Brigham Personalized Medicine); PubMed 30782561 (cited by Laboratory for Molecular Medicine, Mass General Brigham Personalized Medicine).